The following is an entry in ClinVar:

NM_004727.3(SLC24A1):c.2035C>A (p.Leu679Met)

Gene: SLC24A1 (solute carrier family 24 member 1; plus strand). Cytogenetic location: 15q22.31.
Variant type: single nucleotide variant.
Coding change: c.2035C>A on transcript NM_004727.3 (MANE Select); coding-DNA position 2035, C replaced by A.
Protein change: p.Leu679Met; replaces leucine 679 with methionine.
Molecular consequence: missense variant.
Genome position (GRCh38, 1-based): chr15:65,639,685, C>A. VCF-style: chr15-65639685-C-A. GRCh37 (hg19) VCF-style: chr15-65932023-C-A.
Other names: c.2035C>A, p.Leu679Met (NM_001301031.1); c.1981C>A, p.Leu661Met (NM_001301032.1, NM_001301033.2); short protein forms L679M, L661M.
Identifiers: ClinVar variation 2130269 (VCV002130269.4), dbSNP rs926770311, ClinGen allele CA392920070.
Genomic context (GRCh38, chr15:65,639,685, plus strand): 5'-TCGACCTCTCTGCACAACAGCACCATCCGCAGCACCATCTACCAGCTCATGCTCCACAGC[C>A]TGGACCCCCTGAGGGAAGGTAAGCAAGGCCTCTCCAGACCTTTGTGGTTTGCCCCATCCA-3'
Protein context (NP_004718.1, residues 669-689): STIYQLMLHS[Leu679Met]DPLREVRLAK

ClinVar aggregate classification (germline): Uncertain significance (1 of 4 stars; one submission).

Submission:

Labcorp Genetics (formerly Invitae), Labcorp
Classification: Uncertain significance. Last evaluated: 2024-02-23. Review status: criteria provided, single submitter. Criteria: Invitae Variant Classification Sherloc (09022015). Collection method: clinical testing. Allele origin: germline.
Comment: This sequence change replaces leucine, which is neutral and non-polar, with methionine, which is neutral and non-polar, at codon 679 of the SLC24A1 protein (p.Leu679Met). This variant is not present in population databases (gnomAD no frequency). This variant has not been reported in the literature in individuals affected with SLC24A1-related conditions. ClinVar contains an entry for this variant (Variation ID: 2130269). An algorithm developed to predict the effect of missense changes on protein structure and function (PolyPhen-2) suggests that this variant is likely to be tolerated. In summary, the available evidence is currently insufficient to determine the role of this variant in disease. Therefore, it has been classified as a Variant of Uncertain Significance.